The following is an entry in ClinVar:

NM_016030.6(TRAPPC12):c.108C>T (p.Ile36=)

Gene: TRAPPC12 (trafficking protein particle complex subunit 12; plus strand). Cytogenetic location: 2p25.3.
Variant type: single nucleotide variant.
Coding change: c.108C>T on transcript NM_016030.6 (MANE Select); coding-DNA position 108, C replaced by T.
Protein change: p.Ile36=; no amino-acid change (isoleucine 36 retained).
Molecular consequence: synonymous variant.
Genome position (GRCh38, 1-based): chr2:3,387,731, C>T. VCF-style: chr2-3387731-C-T. GRCh37 (hg19) VCF-style: chr2-3391502-C-T.
Other names: c.108C>T, p.Ile36= (NM_001321102.2).
Identifiers: ClinVar variation 3052743 (VCV003052743.4), dbSNP rs376532700, ClinGen allele CA1515015.
Genomic context (GRCh38, chr2:3,387,731, plus strand): 5'-GCACCCCCCTCAGCTCGCGCCTCCGGAGGAGCAGGGGTTGCTCTTCCAGGAGGAAACCAT[C>T]GATCTTGGCGGAGATGAGTTTGGATCCGAAGAGAACGAGACCGCATCGGAAGGCTCGAGT-3'
Protein context (NP_057114.5, residues 26-46): EQGLLFQEET[Ile36=]DLGGDEFGSE

ClinVar aggregate classification (germline): Likely benign. Review status: criteria provided, single submitter (1 of 4 stars). 2 submissions from 2 submitters: Likely benign (1). 1 of the submissions does not count toward it. Last evaluated 2024-12-08.

Conditions:
TRAPPC12-related disorder. Also called: TRAPPC12-related condition.

Allele frequency attached by ClinVar (database versions not stated): 1000 Genomes Project 30x 0.00016; ExAC 0.00020; ESP Exome Variant Server 0.00031; gnomAD 0.00033.
gnomAD v4.1: 96 of 1,606,842 alleles (0.006%); highest among the groups gnomAD compares: African/African-American, 0.12%; no homozygotes.

Submissions (2):

Labcorp Genetics (formerly Invitae), Labcorp
Classification: Likely benign. Last evaluated: 2024-12-08. Review status: criteria provided, single submitter. Criteria: Invitae Variant Classification Sherloc (09022015). Collection method: clinical testing. Allele origin: germline.

PreventionGenetics, part of Exact Sciences
Classification: Likely benign for TRAPPC12-related condition. Last evaluated: 2019-08-20. Review status: no assertion criteria provided. Collection method: clinical testing. Allele origin: germline. Not counted in ClinVar's aggregate classification.
Comment: This variant is classified as likely benign based on ACMG/AMP sequence variant interpretation guidelines (Richards et al. 2015 PMID: 25741868, with internal and published modifications).